The following is an entry in ClinVar:

ClinVar aggregate classification (germline): Pathogenic/Likely pathogenic. Review status: criteria provided, multiple submitters, no conflicts (2 of 4 stars). 3 submissions from 3 submitters: Pathogenic (1); Likely pathogenic (2). Last evaluated 2024-06-20.

Conditions:
Retinal dystrophy. Also called: Inherited retinal dystrophy. Identifiers: Orphanet 71862, MedGen C0854723, MeSH D058499, MONDO:0019118, HP:0000556.
KIZ-related disorder. Also called: KIZ-related condition.
Retinitis pigmentosa 69 (RP69). Identifiers: Orphanet 791, MedGen C4014312, MONDO:0014345, OMIM 615780.

Allele frequency attached by ClinVar (database versions not stated): gnomAD exomes 0.00002.

Submissions (3):

3billion
Classification: Pathogenic for Retinitis pigmentosa 69. Last evaluated: 2024-06-20. Review status: criteria provided, single submitter. Criteria: ACMG Guidelines, 2015. Collection method: clinical testing. Allele origin: germline. Affected: yes.
Comment: The variant is observed at an extremely low frequency in the gnomAD v4.0.0 dataset (total allele frequency: <0.001%). Predicted Consequence/Location: Frameshift: predicted to result in a loss or disruption of normal protein function through nonsense-mediated decay (NMD) or protein truncation. Multiple pathogenic variants are reported downstream of the variant. The variant has been reported to be associated with KIZ related disorder (ClinVar ID: VCV003028540 /3billion dataset). Therefore, this variant is classified as Pathogenic according to the recommendation of ACMG/AMP guideline.

Dept Of Ophthalmology, Nagoya University
Classification: Likely pathogenic for Retinal dystrophy. Last evaluated: 2023-10-01. Review status: criteria provided, single submitter. Criteria: Submitter's publication. Collection method: research. Allele origin: germline. Affected: yes.

Blueprint Genetics
Classification: Likely pathogenic for KIZ-related disorders. Last evaluated: 2023-06-20. Review status: criteria provided, single submitter. Criteria: ACMG Guidelines, 2015. Collection method: clinical testing. Allele origin: germline. Affected: yes. Observed: 1 variant allele.

NM_018474.6(KIZ):c.62_65del (p.Gly21fs)

Genes: KIZ (kizuna centrosomal protein; plus strand), LOC130065507 (ATAC-STARR-seq lymphoblastoid silent region 12713; plus strand). Cytogenetic location: 20p11.23.
Variant type: Deletion.
Coding change: c.62_65del on transcript NM_018474.6 (MANE Select); coding-DNA positions 62 to 65, 4 bases deleted (GCCA; older notation c.62_65delGCCA).
Protein change: p.Gly21fs; shifts the reading frame from glycine 21.
Molecular consequence: frameshift variant. On other transcripts: 5 prime UTR variant (4).
Genome position (GRCh38, 1-based): chr20:21,126,177-21,126,180, GCCA deleted. VCF-style (leftmost placement, unchanged base first): chr20-21126176-GGCCA-G. GRCh37 (hg19) VCF-style: chr20-21106817-GGCCA-G.
Other names: c.-85_-82del (NM_001163022.3, NM_001163023.3, NM_001352435.2); c.141_144del, p.Pro48fs (NM_001276389.2); c.62_65del, p.Gly21fs (NM_001352434.2); c.-325_-322del (NM_001352436.2); c.141_144delGCCA (NM_001276389.2); short protein forms G21fs, P48fs.
Identifiers: ClinVar variation 3028540 (VCV003028540.4), dbSNP rs1282376513, ClinGen allele CA635084601.